The following is an entry in ClinVar:

NM_001199138.2(NLRC4):c.1897G>A (p.Gly633Arg)

Gene: NLRC4 (NLR family CARD domain containing 4; minus strand). Cytogenetic location: 2p22.3.
Variant type: single nucleotide variant.
Coding change: c.1897G>A on transcript NM_001199138.2 (MANE Select); coding-DNA position 1897, G replaced by A.
Protein change: p.Gly633Arg; replaces glycine 633 with arginine.
Molecular consequence: missense variant. On other transcripts: intron variant (1).
Genome position (GRCh38, 1-based): chr2:32,249,967, C>T on the plus strand (G>A on the coding strand, the complement: NLRC4 is on the minus strand). VCF-style: chr2-32249967-C-T. GRCh37 (hg19) VCF-style: chr2-32475036-C-T.
Other names: c.262+2452G>A (NM_001302504.1); c.1897G>A, p.Gly633Arg (NM_001199139.2, NM_021209.5); short protein forms G633R.
Identifiers: ClinVar variation 640171 (VCV000640171.41), dbSNP rs1396559252, ClinGen allele CA346511462.
Genomic context (GRCh38, chr2:32,249,967, plus strand): 5'-AGAACAAAGATACAGCCCTGCTGGGAATGTAGGTTTCTGGGGCCTCTTCCATGTGGATTC[C>T]ACCTGTGTCTTCTGCAGCCTTTTCCCATGAAGCCATAGCTCCCCCATAAAAGTCCAGTTT-3'
Protein context (NP_001186067.1, residues 623-643): SWEKAAEDTG[Gly633Arg]IHMEEAPETY

ClinVar aggregate classification (germline): Uncertain significance. Review status: criteria provided, multiple submitters, no conflicts (2 of 4 stars). 2 submissions from 2 submitters: Uncertain significance (2). Last evaluated 2024-03-12.

Conditions:
Periodic fever-infantile enterocolitis-autoinflammatory syndrome. Also called: Autoinflammation with infantile enterocolitis. Identifiers: Orphanet 436166, MedGen C4015067, MONDO:0014472, OMIM 616050.
Familial cold autoinflammatory syndrome 4 (FCAS4). Identifiers: Orphanet 47045, Orphanet 576349, MedGen C4015276, MONDO:0014498, OMIM 616115.

Allele frequency attached by ClinVar (database versions not stated): gnomAD exomes below 0.00001 and 0.00001; TOPMed 0.00002; gnomAD 0.00001.

Submissions (2):

Labcorp Genetics (formerly Invitae), Labcorp
Classification: Uncertain significance for Periodic fever-infantile enterocolitis-autoinflammatory syndrome; Familial cold autoinflammatory syndrome 4. Last evaluated: 2024-03-12. Review status: criteria provided, single submitter. Criteria: Invitae Variant Classification Sherloc (09022015). Collection method: clinical testing. Allele origin: germline.
Comment: This sequence change replaces glycine, which is neutral and non-polar, with arginine, which is basic and polar, at codon 633 of the NLRC4 protein (p.Gly633Arg). This variant is present in population databases (no rsID available, gnomAD 0.007%). This variant has not been reported in the literature in individuals affected with NLRC4-related conditions. ClinVar contains an entry for this variant (Variation ID: 640171). Advanced modeling of protein sequence and biophysical properties (such as structural, functional, and spatial information, amino acid conservation, physicochemical variation, residue mobility, and thermodynamic stability) performed at Invitae indicates that this missense variant is not expected to disrupt NLRC4 protein function with a negative predictive value of 80%. In summary, the available evidence is currently insufficient to determine the role of this variant in disease. Therefore, it has been classified as a Variant of Uncertain Significance.

CeGaT Center for Human Genetics Tuebingen
Classification: Uncertain significance. Last evaluated: 2022-05-01. Review status: criteria provided, single submitter. Criteria: CeGaT Center For Human Genetics Tuebingen Variant Classification Criteria Version 2. Collection method: clinical testing. Allele origin: germline. Affected: yes. Observed: 1 variant allele.
Comment: NLRC4: PM2, BP4